The following is an entry in ClinVar:

NM_000038.6(APC):c.246C>T (p.Phe82=)

Gene: APC (APC regulator of Wnt signaling pathway; plus strand). Cytogenetic location: 5q22.2.
Variant type: single nucleotide variant.
Coding change: c.246C>T on transcript NM_000038.6 (MANE Select); coding-DNA position 246, C replaced by T.
Protein change: p.Phe82=; no amino-acid change (phenylalanine 82 retained).
Molecular consequence: synonymous variant. On other transcripts: 5 prime UTR variant (1).
Genome position (GRCh38, 1-based): chr5:112,767,214, C>T. VCF-style: chr5-112767214-C-T. GRCh37 (hg19) VCF-style: chr5-112102911-C-T.
Other names: c.246C>T (NM_000038.5); c.246C>T, p.Phe82= (NM_001127510.3, NM_001354895.2, NM_001354896.2 and 2 more transcripts); c.276C>T, p.Phe92= (NM_001127511.3, NM_001354897.2, NM_001354902.2); c.171C>T, p.Phe57= (NM_001354898.2, NM_001354904.2); c.69C>T, p.Phe23= (NM_001354900.2, NM_001354901.2, NM_001354905.2); c.-790C>T (NM_001354906.2).
Identifiers: ClinVar variation 1576480 (VCV001576480.10), dbSNP rs755478426, ClinGen allele CA032185.

ClinVar aggregate classification (germline): Benign/Likely benign. Review status: criteria provided, multiple submitters, no conflicts (2 of 4 stars). 3 submissions from 3 submitters: Benign (1); Likely benign (2). Last evaluated 2024-02-22.

Conditions:
Hereditary cancer-predisposing syndrome. Also called: Hereditary Cancer Syndrome; Tumor predisposition; Neoplastic Syndromes, Hereditary; Hereditary neoplastic syndrome. Identifiers: Orphanet 140162, MedGen C0027672, MeSH D009386, MONDO:0015356.
Familial adenomatous polyposis 1 (FAP1). Also called: FAMILIAL ADENOMATOUS POLYPOSIS 1, ATTENUATED; POLYPOSIS, ADENOMATOUS INTESTINAL. Identifiers: MedGen C2713442, MONDO:0021056, OMIM 175100. Disease mechanism: loss of function.

Allele frequency attached by ClinVar (database versions not stated): TOPMed below 0.00001; ExAC 0.00001; gnomAD 0.00001.
gnomAD v4.1: 3 of 1,613,918 alleles (0.00019%); highest among the groups gnomAD compares: Admixed American, 0.0017%; no homozygotes.

Submissions (3):

Myriad Genetics, Inc.
Classification: Benign for Familial adenomatous polyposis 1. Last evaluated: 2024-02-22. Review status: criteria provided, single submitter. Criteria: Myriad Autosomal Dominant, Autosomal Recessive and X-Linked Classification Criteria (2023). Collection method: clinical testing. Allele origin: unknown.
Comment: This variant is considered benign. This variant is a silent/synonymous amino acid change and it is not expected to impact splicing.

Ambry Genetics
Classification: Likely benign for Hereditary cancer-predisposing syndrome. Last evaluated: 2023-06-01. Review status: criteria provided, single submitter. Criteria: Ambry Variant Classification Scheme 2023. Collection method: clinical testing. Allele origin: germline.

Labcorp Genetics (formerly Invitae), Labcorp
Classification: Likely benign for Familial adenomatous polyposis 1. Last evaluated: 2021-08-19. Review status: criteria provided, single submitter. Criteria: Invitae Variant Classification Sherloc (09022015). Collection method: clinical testing. Allele origin: germline.